The following is an entry in ClinVar:

ClinVar aggregate classification (germline): Uncertain significance. Review status: criteria provided, multiple submitters, no conflicts (2 of 4 stars). 2 submissions from 2 submitters: Uncertain significance (2). Last evaluated 2023-12-01.

Conditions:
Familial hemophagocytic lymphohistiocytosis 3 (FHL3). Also called: UNC13D-Related Familial Hemophagocytic Lymphohistiocytosis (UNC13D-fHLH). Identifiers: Orphanet 540, MedGen C1837174, MONDO:0012146, OMIM 608898.

Allele frequency attached by ClinVar (database versions not stated): gnomAD 0.00002 and 0.00003; gnomAD exomes 0.00003 and 0.00013; TOPMed 0.00005; ExAC 0.00008.
gnomAD v4.1: 182 of 1,589,654 alleles (0.011%); highest among the groups gnomAD compares: Non-Finnish European, 0.015%; no homozygotes.

Submissions (2):

Labcorp Genetics (formerly Invitae), Labcorp
Classification: Uncertain significance for Familial hemophagocytic lymphohistiocytosis 3. Last evaluated: 2023-12-01. Review status: criteria provided, single submitter. Criteria: Invitae Variant Classification Sherloc (09022015). Collection method: clinical testing. Allele origin: germline.
Comment: This sequence change replaces aspartic acid, which is acidic and polar, with asparagine, which is neutral and polar, at codon 947 of the UNC13D protein (p.Asp947Asn). This variant is present in population databases (rs778921171, gnomAD 0.007%). This variant has not been reported in the literature in individuals affected with UNC13D-related conditions. ClinVar contains an entry for this variant (Variation ID: 1036263). Advanced modeling of protein sequence and biophysical properties (such as structural, functional, and spatial information, amino acid conservation, physicochemical variation, residue mobility, and thermodynamic stability) performed at Invitae indicates that this missense variant is not expected to disrupt UNC13D protein function with a negative predictive value of 80%. Experimental studies are conflicting or provide insufficient evidence to determine the effect of this variant on UNC13D function (PMID: 22508512, 29930202). In summary, the available evidence is currently insufficient to determine the role of this variant in disease. Therefore, it has been classified as a Variant of Uncertain Significance.

Blueprint Genetics
Classification: Uncertain significance. Last evaluated: 2022-08-09. Review status: criteria provided, single submitter. Criteria: ACMG Guidelines, 2015. Collection method: clinical testing. Allele origin: germline.

Literature cited by the submitters: PubMed 22508512 (cited by Labcorp Genetics (formerly Invitae), Labcorp); PubMed 29930202 (cited by Labcorp Genetics (formerly Invitae), Labcorp).

NM_199242.3(UNC13D):c.2839G>A (p.Asp947Asn)

Genes: UNC13D (unc-13 homolog D; minus strand), LOC112533672 (Sharpr-MPRA regulatory region 1193; plus strand). Cytogenetic location: 17q25.1.
Variant type: single nucleotide variant.
Coding change: c.2839G>A on transcript NM_199242.3 (MANE Select); coding-DNA position 2839, G replaced by A.
Protein change: p.Asp947Asn; replaces aspartic acid 947 with asparagine.
Molecular consequence: missense variant.
Genome position (GRCh38, 1-based): chr17:75,830,143, C>T on the plus strand (G>A on the coding strand, the complement: UNC13D is on the minus strand). VCF-style: chr17-75830143-C-T. GRCh37 (hg19) VCF-style: chr17-73826224-C-T.
Other names: short protein forms D947N.
Identifiers: ClinVar variation 1036263 (VCV001036263.6), dbSNP rs778921171, ClinGen allele CA8772358.